The following is an entry in ClinVar:

ClinVar aggregate classification (germline): Likely benign (1 of 4 stars; one submission).

Conditions:
LEPR-related disorder. Also called: LEPR-related condition; LEPR-related disorders.

Submission:

PreventionGenetics, part of Exact Sciences
Classification: Likely benign for LEPR-related condition. Last evaluated: 2026-06-07. Review status: criteria provided, single submitter. Criteria: ACMG Guidelines, 2015. Collection method: clinical testing. Allele origin: germline.
Comment: This variant is classified as likely benign based on ACMG/AMP sequence variant interpretation guidelines (Richards et al. 2015 PMID: 25741868, with internal and published modifications).

NM_002303.6(LEPR):c.371-10_371-9insG

Gene: LEPR (leptin receptor; plus strand). Cytogenetic location: 1p31.3.
Variant type: Insertion.
Coding change: c.371-10_371-9insG on transcript NM_002303.6 (MANE Select); 10 bases into the intron before coding-DNA position 371 through 9 bases into the intron before coding-DNA position 371, G inserted.
Molecular consequence: intron variant.
Genome position: GRCh38 VCF-style: chr1-65572316-T-TG. GRCh37 (hg19) VCF-style: chr1-66037999-T-TG.
Other names: c.371-10_371-9insG (NM_001003679.3, NM_001003680.3, NM_001198689.2 and 2 more transcripts).
Identifiers: ClinVar variation 4978023 (VCV004978023.1).